The following is an entry in ClinVar:

ClinVar aggregate classification (germline): Uncertain significance (1 of 4 stars; one submission).

Submission:

Genetic Services Laboratory, University of Chicago
Classification: Uncertain significance. Last evaluated: 2025-01-06. Review status: criteria provided, single submitter. Criteria: ACMG Guidelines, 2015. Collection method: clinical testing. Allele origin: germline.
Comment: c.1813_1814delinsTC: This variant is in exon 16 that results in an amino acid change, p.Glu605Ser. This variant does not appear to have been previously described in individuals with LZTR1-related disorders and has also not been described in population databases such as ExAC and gnomAD. The p. p.Glu605Ser change affects a highly conserved amino acid residue located in a domain of the LZTR1 protein that is not known to be functional. In-silico pathogenicity prediction tools (SIFT, PolyPhen2, Align GVGD, REVEL) provide contradictory results for the p.Lys604Glu substitution. Due to insufficient evidences and the lack of functional studies, the clinical significance of the p.Lys604Glu change remains unknown at this time.

NM_006767.4(LZTR1):c.1813_1814inv (p.Glu605Ser)

Gene: LZTR1 (leucine zipper like post translational regulator 1; plus strand). Cytogenetic location: 22q11.21.
Variant type: Inversion.
Coding change: c.1813_1814inv on transcript NM_006767.4 (MANE Select).
Protein change: p.Glu605Ser; replaces glutamic acid 605 with serine.
Molecular consequence: missense variant.
Genome position: GRCh38 VCF-style: chr22-20994897-GA-TC. GRCh37 (hg19) VCF-style: chr22-21349186-GA-TC.
Other names: c.1813_1814delinsTC (NM_006767.4); short protein forms E605S.
Identifiers: ClinVar variation 5010235 (VCV005010235.1).
Genomic context (GRCh38, chr22:20,994,897, plus strand): 5'-CTCTGCCTGCCTGCCTGTGCCTGTCTGCCCCAGGAGCACTGCCTGAACTTCGTGGTAAAG[GA>TC]GTCCCACTTCAACCAGGTGATCATGATGAAGGAGTTCGAGCGCCTCTCCTCTCCACTGAT-3'
Protein context (NP_006758.2, residues 595-615): KEHCLNFVVK[Glu605Ser]SHFNQVIMMK